The following is an entry in ClinVar:

ClinVar aggregate classification (germline): Uncertain significance (1 of 4 stars; one submission).

Conditions:
Inborn genetic diseases. Identifiers: MedGen C0950123, MeSH D030342.

Allele frequency attached by ClinVar (database versions not stated): ExAC 0.00002.

Submission:

Ambry Genetics
Classification: Uncertain significance for Inborn genetic diseases. Last evaluated: 2022-05-20. Review status: criteria provided, single submitter. Criteria: Ambry Variant Classification Scheme 2023. Collection method: clinical testing. Allele origin: germline.
Comment: The p.A35P variant (also known as c.103G>C), located in coding exon 1 of the ACD gene, results from a G to C substitution at nucleotide position 103. The alanine at codon 35 is replaced by proline, an amino acid with highly similar properties. This amino acid position is conserved. In addition, this alteration is predicted to be tolerated by in silico analysis. Since supporting evidence is limited at this time, the clinical significance of this alteration remains unclear.

NM_001082486.1(ACD):c.103G>C (p.Ala35Pro)

Genes: ACD (ACD shelterin complex subunit and telomerase recruitment factor; minus strand), LOC130059224 (ATAC-STARR-seq lymphoblastoid silent region 7617; plus strand). Cytogenetic location: 16q22.1.
Variant type: single nucleotide variant.
Coding change: c.103G>C on transcript NM_001082486.1; coding-DNA position 103, G replaced by C.
Protein change: p.Ala35Pro; replaces alanine 35 with proline.
Genome position (GRCh38, 1-based): chr16:67,660,376, C>G on the plus strand (G>C on the coding strand, the complement: ACD is on the minus strand). VCF-style: chr16-67660376-C-G. GRCh37 (hg19) VCF-style: chr16-67694279-C-G.
Other names: short protein forms A35P.
Identifiers: ClinVar variation 1773768 (VCV001773768.2), dbSNP rs772377460, ClinGen allele CA8114908.